The following is an entry in ClinVar:

NM_001734.5(C1S):c.680C>T (p.Ala227Val)

Gene: C1S (complement C1s; plus strand). Cytogenetic location: 12p13.31.
Variant type: single nucleotide variant.
Coding change: c.680C>T on transcript NM_001734.5 (MANE Select); coding-DNA position 680, C replaced by T.
Protein change: p.Ala227Val; replaces alanine 227 with valine.
Molecular consequence: missense variant.
Genome position (GRCh38, 1-based): chr12:7,065,262, C>T. VCF-style: chr12-7065262-C-T. GRCh37 (hg19) VCF-style: chr12-7172566-C-T.
Other names: c.179C>T, p.Ala60Val (NM_001346850.2); c.680C>T, p.Ala227Val (NM_201442.4); c.680C>T (NM_201442.2); short protein forms A227V, A60V.
Identifiers: ClinVar variation 1400831 (VCV001400831.8), dbSNP rs139443782, ClinGen allele CA6423517.

ClinVar aggregate classification (germline): Uncertain significance. Review status: criteria provided, multiple submitters, no conflicts (2 of 4 stars). 2 submissions from 2 submitters: Uncertain significance (2). Last evaluated 2025-12-10.

Conditions:
Inborn genetic diseases. Identifiers: MedGen C0950123, MeSH D030342.

Allele frequency attached by ClinVar (database versions not stated): gnomAD exomes 0.00009; ExAC 0.00010; gnomAD 0.00028 and 0.00032; TOPMed 0.00034; ESP Exome Variant Server 0.00038.
gnomAD v4.1: 76 of 1,613,976 alleles (0.0047%); highest among the groups gnomAD compares: African/African-American, 0.097%; no homozygotes.

Submissions (2):

Labcorp Genetics (formerly Invitae), Labcorp
Classification: Uncertain significance. Last evaluated: 2025-12-10. Review status: criteria provided, single submitter. Criteria: Invitae Variant Classification Sherloc (09022015). Collection method: clinical testing. Allele origin: germline.
Comment: This sequence change replaces alanine, which is neutral and non-polar, with valine, which is neutral and non-polar, at codon 227 of the C1S protein (p.Ala227Val). This variant is present in population databases (rs139443782, gnomAD 0.1%). This variant has not been reported in the literature in individuals affected with C1S-related conditions. ClinVar contains an entry for this variant (Variation ID: 1400831). Invitae Evidence Modeling of protein sequence and biophysical properties (such as structural, functional, and spatial information, amino acid conservation, physicochemical variation, residue mobility, and thermodynamic stability) indicates that this missense variant is not expected to disrupt C1S protein function with a negative predictive value of 80%. In summary, the available evidence is currently insufficient to determine the role of this variant in disease. Therefore, it has been classified as a Variant of Uncertain Significance.

Ambry Genetics
Classification: Uncertain significance for Inborn genetic diseases. Last evaluated: 2024-03-15. Review status: criteria provided, single submitter. Criteria: Ambry Variant Classification Scheme 2023. Collection method: clinical testing. Allele origin: germline.